The following is an entry in ClinVar:

NM_001330288.2(SMARCC2):c.3265C>T (p.Pro1089Ser)

Gene: SMARCC2 (SWI/SNF related BAF chromatin remodeling complex subunit C2; minus strand). Cytogenetic location: 12q13.2.
Variant type: single nucleotide variant.
Coding change: c.3265C>T on transcript NM_001330288.2 (MANE Select); coding-DNA position 3265, C replaced by T.
Protein change: p.Pro1089Ser; replaces proline 1089 with serine.
Molecular consequence: missense variant.
Genome position (GRCh38, 1-based): chr12:56,164,699, G>A on the plus strand (C>T on the coding strand, the complement: SMARCC2 is on the minus strand). VCF-style: chr12-56164699-G-A. GRCh37 (hg19) VCF-style: chr12-56558483-G-A.
Other names: c.3265C>T, p.Pro1089Ser (NM_001130420.3, NM_139067.4); c.3172C>T, p.Pro1058Ser (NM_003075.5); c.3172C>T (NM_003075.3); short protein forms P1058S, P1089S.
Identifiers: ClinVar variation 3234282 (VCV003234282.21), dbSNP rs76701112, ClinGen allele CA6625589.

ClinVar aggregate classification (germline): Likely benign. Review status: criteria provided, multiple submitters, no conflicts (2 of 4 stars). 3 submissions from 3 submitters: Likely benign (3). Last evaluated 2026-03-01.

Conditions:
Inborn genetic diseases. Identifiers: MedGen C0950123, MeSH D030342.

Allele frequency attached by ClinVar (database versions not stated): ExAC 0.00147; ESP Exome Variant Server 0.00300; gnomAD 0.00348; TOPMed 0.00395; 1000 Genomes Project 30x 0.00484; 1000 Genomes Project 0.00519.
gnomAD v4.1: 1,168 of 1,611,364 alleles (0.072%); highest among the groups gnomAD compares: African/African-American, 1%; 3 homozygotes.

Submissions (3):

CeGaT Center for Human Genetics Tuebingen
Classification: Likely benign. Last evaluated: 2026-03-01. Review status: criteria provided, single submitter. Criteria: CeGaT Center For Human Genetics Tuebingen Variant Classification Criteria Version 2. Collection method: clinical testing. Allele origin: germline. Affected: yes. Observed: 2 variant alleles.
Comment: SMARCC2: BS1

Ambry Genetics
Classification: Likely benign for Inborn genetic diseases. Last evaluated: 2025-11-08. Review status: criteria provided, single submitter. Criteria: Ambry Variant Classification Scheme 2023. Collection method: clinical testing. Allele origin: germline.

Blueprint Genetics
Classification: Likely benign. Last evaluated: 2024-11-25. Review status: criteria provided, single submitter. Criteria: ACMG Guidelines, 2015. Collection method: clinical testing. Allele origin: germline.